The following is an entry in ClinVar:

NM_000702.4(ATP1A2):c.2447C>T (p.Ala816Val)

Gene: ATP1A2 (ATPase Na+/K+ transporting subunit alpha 2; plus strand). Cytogenetic location: 1q23.2.
Variant type: single nucleotide variant.
Coding change: c.2447C>T on transcript NM_000702.4 (MANE Select); coding-DNA position 2447, C replaced by T.
Protein change: p.Ala816Val; replaces alanine 816 with valine.
Molecular consequence: missense variant.
Genome position (GRCh38, 1-based): chr1:160,136,254, C>T. VCF-style: chr1-160136254-C-T. GRCh37 (hg19) VCF-style: chr1-160106044-C-T.
Other names: short protein forms A816V.
Identifiers: ClinVar variation 3354670 (VCV003354670.3).

ClinVar aggregate classification (germline): Uncertain significance. Review status: criteria provided, multiple submitters, no conflicts (2 of 4 stars). 2 submissions from 2 submitters: Uncertain significance (2). Last evaluated 2026-04-02.

Conditions:
ATP1A2-related disorder. Also called: ATP1A2-related condition; ATP1A2-RELATED DISORDERS.

Submissions (2):

GeneDx
Classification: Uncertain significance. Last evaluated: 2026-04-02. Review status: criteria provided, single submitter. Criteria: GeneDx Variant Classification Process June 2021. Collection method: clinical testing. Allele origin: germline.
Comment: Not observed at significant frequency in large population cohorts (gnomAD); In silico analysis supports that this missense variant has a deleterious effect on protein structure/function; Has not been previously published as pathogenic or benign to our knowledge

PreventionGenetics, part of Exact Sciences
Classification: Uncertain significance for ATP1A2-related condition. Last evaluated: 2026-03-18. Review status: criteria provided, single submitter. Criteria: ACMG Guidelines, 2015. Collection method: clinical testing. Allele origin: germline.
Comment: The ATP1A2 c.2447C>T variant is predicted to result in the amino acid substitution p.Ala816Val. To our knowledge, this variant has not been reported in the literature or in a large population database, indicating this variant is rare. A missense change at the adjacent amino acid is also rare, and reported in the literature in a patient diagnosed with familial hemiplegic migraine type 2 (p.Ile817Asn; Alfares et al. 2017. PubMed ID: 28454995, supplementary table 2). At this time, the clinical significance of this variant is uncertain due to the absence of conclusive functional and genetic evidence.